The following is an entry in ClinVar:

NM_153614.4(DNAJB13):c.309C>A (p.Phe103Leu)

Gene: DNAJB13 (DnaJ heat shock protein family (Hsp40) member B13; plus strand). Cytogenetic location: 11q13.4.
Variant type: single nucleotide variant.
Coding change: c.309C>A on transcript NM_153614.4 (MANE Select); coding-DNA position 309, C replaced by A.
Protein change: p.Phe103Leu; replaces phenylalanine 103 with leucine.
Molecular consequence: missense variant. On other transcripts: intron variant (1).
Genome position (GRCh38, 1-based): chr11:73,959,630, C>A. VCF-style: chr11-73959630-C-A. GRCh37 (hg19) VCF-style: chr11-73670675-C-A.
Other names: c.135C>A, p.Phe45Leu (NM_001377263.1); c.172+1210C>A (NM_001441321.1); short protein forms F103L, F45L.
Identifiers: ClinVar variation 4761040 (VCV004761040.1).

ClinVar aggregate classification (germline): Uncertain significance (1 of 4 stars; one submission).

gnomAD v4.1: 7 of 1,614,144 alleles (0.00043%); highest among the groups gnomAD compares: Non-Finnish European, 0.00051%; no homozygotes.

Submission:

Labcorp Genetics (formerly Invitae), Labcorp
Classification: Uncertain significance. Last evaluated: 2025-10-09. Review status: criteria provided, single submitter. Criteria: Invitae Variant Classification Sherloc (09022015). Collection method: clinical testing. Allele origin: germline.
Comment: This sequence change replaces phenylalanine, which is neutral and non-polar, with leucine, which is neutral and non-polar, at codon 103 of the DNAJB13 protein (p.Phe103Leu). This variant is not present in population databases (gnomAD no frequency). This variant has not been reported in the literature in individuals affected with DNAJB13-related conditions. Invitae Evidence Modeling of protein sequence and biophysical properties (such as structural, functional, and spatial information, amino acid conservation, physicochemical variation, residue mobility, and thermodynamic stability) indicates that this missense variant is not expected to disrupt DNAJB13 protein function with a negative predictive value of 80%. In summary, the available evidence is currently insufficient to determine the role of this variant in disease. Therefore, it has been classified as a Variant of Uncertain Significance.